The following is an entry in ClinVar:

ClinVar aggregate classification (germline): Likely benign (1 of 4 stars; one submission).

Allele frequency attached by ClinVar (database versions not stated): ExAC 0.00002; gnomAD 0.00002; gnomAD exomes 0.00002; TOPMed 0.00002; ESP Exome Variant Server 0.00008.
gnomAD v4.1: 31 of 1,611,954 alleles (0.0019%); highest among the groups gnomAD compares: African/African-American, 0.004%; no homozygotes.

Submission:

CeGaT Center for Human Genetics Tuebingen
Classification: Likely benign. Last evaluated: 2022-04-01. Review status: criteria provided, single submitter. Criteria: CeGaT Center For Human Genetics Tuebingen Variant Classification Criteria Version 2. Collection method: clinical testing. Allele origin: germline. Affected: yes. Observed: 1 variant allele.
Comment: PSG8: BP4, BP7

NM_182707.3(PSG8):c.66A>G (p.Ala22=)

Gene: PSG8 (pregnancy specific beta-1-glycoprotein 8; minus strand). Cytogenetic location: 19q13.2.
Variant type: single nucleotide variant.
Coding change: c.66A>G on transcript NM_182707.3 (MANE Select); coding-DNA position 66, A replaced by G.
Protein change: p.Ala22=; no amino-acid change (alanine 22 retained).
Molecular consequence: synonymous variant. On other transcripts: intron variant (1).
Genome position (GRCh38, 1-based): chr19:42,764,280, T>C on the plus strand (A>G on the coding strand, the complement: PSG8 is on the minus strand). VCF-style: chr19-42764280-T-C. GRCh37 (hg19) VCF-style: chr19-43268432-T-C.
Other names: c.66A>G, p.Ala22= (NM_001130167.2); c.64+1238A>G (NM_001130168.2).
Identifiers: ClinVar variation 2650046 (VCV002650046.24), dbSNP rs145150049, ClinGen allele CA9479808.